The following is an entry in ClinVar:

NM_001184880.2(PCDH19):c.67A>C (p.Ile23Leu)

Gene: PCDH19 (protocadherin 19; minus strand). Cytogenetic location: Xq22.1.
Variant type: single nucleotide variant.
Coding change: c.67A>C on transcript NM_001184880.2 (MANE Select); coding-DNA position 67, A replaced by C.
Protein change: p.Ile23Leu; replaces isoleucine 23 with leucine.
Molecular consequence: missense variant.
Genome position (GRCh38, 1-based): chrX:100,408,531, T>G on the plus strand (A>C on the coding strand, the complement: PCDH19 is on the minus strand). VCF-style: chrX-100408531-T-G. GRCh37 (hg19) VCF-style: chrX-99663529-T-G.
Other names: c.67A>C, p.Ile23Leu (NM_001105243.2, NM_020766.3); short protein forms I23L.
Identifiers: ClinVar variation 4768882 (VCV004768882.1).
Genomic context (GRCh38, chrX:100,408,531, plus strand): 5'-CCACGTTGGCAATCACCGTCCCGGCGCGCTGCTCCTCTTCTACCGAGTACTTGAGATTAA[T>G]GAGGGCGGCAGCCTGCGTCCACAGTATGGCCAGCAGCAGCAGCACCGGCAGCAGGAGCGA-3'
Protein context (NP_001171809.1, residues 13-33): AILWTQAAAL[Ile23Leu]NLKYSVEEEQ

ClinVar aggregate classification (germline): Uncertain significance (1 of 4 stars; one submission).

Conditions:
Developmental and epileptic encephalopathy, 9 (DEE9). Also called: JUBERG-HELLMAN SYNDROME; Early infantile epileptic encephalopathy 9; EPILEPSY, FEMALE-RESTRICTED, WITH MENTAL RETARDATION; PCDH19-Related X-Linked Female-Limited Epilepsy with Mental Retardation. Identifiers: Orphanet 101039, Orphanet 2076, MedGen C1848137, MONDO:0010246, OMIM 300088. Disease mechanism: loss of function.

Submission:

Labcorp Genetics (formerly Invitae), Labcorp
Classification: Uncertain significance for Developmental and epileptic encephalopathy, 9. Last evaluated: 2025-05-14. Review status: criteria provided, single submitter. Criteria: Invitae Variant Classification Sherloc (09022015). Collection method: clinical testing. Allele origin: germline.
Comment: This sequence change replaces isoleucine, which is neutral and non-polar, with leucine, which is neutral and non-polar, at codon 23 of the PCDH19 protein (p.Ile23Leu). This variant is not present in population databases (gnomAD no frequency). This variant has not been reported in the literature in individuals affected with PCDH19-related conditions. Invitae Evidence Modeling of protein sequence and biophysical properties (such as structural, functional, and spatial information, amino acid conservation, physicochemical variation, residue mobility, and thermodynamic stability) indicates that this missense variant is not expected to disrupt PCDH19 protein function with a negative predictive value of 95%. In summary, the available evidence is currently insufficient to determine the role of this variant in disease. Therefore, it has been classified as a Variant of Uncertain Significance.